The following is an entry in ClinVar:

ClinVar aggregate classification (germline): Uncertain significance (1 of 4 stars; one submission).

gnomAD v4.1: 12 of 1,613,956 alleles (0.00074%); highest among the groups gnomAD compares: South Asian, 0.013%; no homozygotes.

Submission:

Labcorp Genetics (formerly Invitae), Labcorp
Classification: Uncertain significance. Last evaluated: 2024-08-08. Review status: criteria provided, single submitter. Criteria: Invitae Variant Classification Sherloc (09022015). Collection method: clinical testing. Allele origin: germline.
Comment: This sequence change replaces arginine, which is basic and polar, with leucine, which is neutral and non-polar, at codon 323 of the ACOX2 protein (p.Arg323Leu). This variant is present in population databases (rs562573238, gnomAD 0.02%). This variant has not been reported in the literature in individuals affected with ACOX2-related conditions. Advanced modeling of protein sequence and biophysical properties (such as structural, functional, and spatial information, amino acid conservation, physicochemical variation, residue mobility, and thermodynamic stability) performed at Invitae indicates that this missense variant is expected to disrupt ACOX2 protein function with a positive predictive value of 80%. In summary, the available evidence is currently insufficient to determine the role of this variant in disease. Therefore, it has been classified as a Variant of Uncertain Significance.

NM_003500.4(ACOX2):c.968G>T (p.Arg323Leu)

Gene: ACOX2 (acyl-CoA oxidase 2; minus strand). Cytogenetic location: 3p14.3.
Variant type: single nucleotide variant.
Coding change: c.968G>T on transcript NM_003500.4 (MANE Select); coding-DNA position 968, G replaced by T.
Protein change: p.Arg323Leu; replaces arginine 323 with leucine.
Molecular consequence: missense variant.
Genome position (GRCh38, 1-based): chr3:58,530,490, C>A on the plus strand (G>T on the coding strand, the complement: ACOX2 is on the minus strand). VCF-style: chr3-58530490-C-A. GRCh37 (hg19) VCF-style: chr3-58516217-C-A.
Other names: short protein forms R323L.
Identifiers: ClinVar variation 3697985 (VCV003697985.2).